The following is an entry in ClinVar:

ClinVar aggregate classification (germline): Pathogenic/Likely pathogenic. Review status: criteria provided, multiple submitters, no conflicts (2 of 4 stars). 4 submissions from 4 submitters: Pathogenic (3); Likely pathogenic (1). Last evaluated 2023-02-28.

Conditions:
Intellectual developmental disorder 62. Also called: INTELLECTUAL DEVELOPMENTAL DISORDER, AUTOSOMAL DOMINANT 62; MENTAL RETARDATION, AUTOSOMAL DOMINANT 62. Identifiers: MedGen C5394083, MONDO:0032919, OMIM 618793.

Submissions (4):

Tumer Group, Copenhagen University Hospital, Rigshospitalet
Classification: Pathogenic for Intellectual developmental disorder 62. Last evaluated: 2023-02-28. Review status: criteria provided, single submitter. Criteria: ACMG Guidelines, 2015. Collection method: research. Allele origin: de novo. Affected: yes.

Institute of Human Genetics, University of Leipzig Medical Center
Classification: Likely pathogenic for Intellectual developmental disorder 62. Last evaluated: 2021-12-21. Review status: criteria provided, single submitter. Criteria: ACMG Guidelines, 2015. Collection method: research. Allele origin: germline. Affected: yes.

3billion
Classification: Pathogenic for Intellectual developmental disorder 62. Last evaluated: 2021-10-02. Review status: criteria provided, single submitter. Criteria: ACMG Guidelines, 2015. Collection method: clinical testing. Allele origin: germline. Affected: yes. Observed: 1 heterozygote.
Comment: Stop-gained (nonsense): predicted to result in a loss or disruption of normal protein function through nonsense-mediated decay (NMD) or protein truncation. Multiple pathogenic variants are reported downstream of the variant (PVS1_VS). The variant was observed as assumed (i.e. paternity and maternity not confirmed) de novoo (3billion dataset, PM6). It is not observed in the gnomAD v2.1.1 dataset (PM2). The variant has been reported as pathogenic (ClinVar ID: VCV000620100.1). Therefore, this variant is classified as pathogenic according to the recommendation of ACMG/AMP guideline.

GeneDx
Classification: Pathogenic. Last evaluated: 2018-10-22. Review status: criteria provided, single submitter. Criteria: GeneDx Variant Classification (06012015). Collection method: clinical testing. Allele origin: germline. Affected: yes.
Comment: The R540X nonsense variant in the DLG4 gene has not been published as a pathogenic variant, nor has it been reported as a benign variant to our knowledge. This variant is predicted to cause loss of normal protein function either through protein truncation or nonsense-mediated mRNA decay. Furthermore, the R540X variant is not observed in large population cohorts (Lek et al., 2016). We interpret the R540X variant as a pathogenic variant.

Literature cited by the submitters: PubMed 33597769 (cited by Institute of Human Genetics, University of Leipzig Medical Center).

NM_001321075.3(DLG4):c.1489C>T (p.Arg497Ter)

Gene: DLG4 (discs large MAGUK scaffold protein 4; minus strand). Cytogenetic location: 17p13.1.
Variant type: single nucleotide variant.
Coding change: c.1489C>T on transcript NM_001321075.3 (MANE Select); coding-DNA position 1489, C replaced by T.
Protein change: p.Arg497Ter; replaces arginine 497 with a stop codon.
Molecular consequence: nonsense. On other transcripts: non-coding transcript variant (1).
Genome position (GRCh38, 1-based): chr17:7,193,990, G>A on the plus strand (C>T on the coding strand, the complement: DLG4 is on the minus strand). VCF-style: chr17-7193990-G-A. GRCh37 (hg19) VCF-style: chr17-7097309-G-A.
Other names: c.1480C>T, p.Arg494Ter (NM_001128827.4); c.1609C>T, p.Arg537Ter (NM_001321074.1); c.1309C>T, p.Arg437Ter (NM_001321076.3, NM_001321077.3); c.1618C>T, p.Arg540Ter (NM_001365.5); c.1408C>T, p.Arg470Ter (NM_001369566.3); short protein forms R540*, R494*, R497*, R437*, R537*, R470*.
Identifiers: ClinVar variation 620100 (VCV000620100.4), dbSNP rs1567528092, ClinGen allele CA397715475.
Genomic context (GRCh38, chr17:7,193,990, plus strand): 5'-ACTTCCACCCAGGCTCACACCCTCCTCCACCTACCTTGGCCTTTAACCTTGACCACTCTC[G>A]TCGCTCAACCCTGTGGGATACATGGAGGGATACGCGGGTAGGGGAATGCCTACCCCCTGC-3'